The following is an entry in ClinVar:

NM_006035.4(CDC42BPB):c.2161G>T (p.Asp721Tyr)

Gene: CDC42BPB (CDC42 binding protein kinase beta; minus strand). Cytogenetic location: 14q32.32.
Variant type: single nucleotide variant.
Coding change: c.2161G>T on transcript NM_006035.4 (MANE Select); coding-DNA position 2161, G replaced by T.
Protein change: p.Asp721Tyr; replaces aspartic acid 721 with tyrosine.
Molecular consequence: missense variant.
Genome position (GRCh38, 1-based): chr14:102,968,551, C>A on the plus strand (G>T on the coding strand, the complement: CDC42BPB is on the minus strand). VCF-style: chr14-102968551-C-A. GRCh37 (hg19) VCF-style: chr14-103434888-C-A.
Other names: c.2161G>T, p.Asp721Tyr (NM_001411054.1); short protein forms D721Y.
Identifiers: ClinVar variation 3257378 (VCV003257378.17).

ClinVar aggregate classification (germline): Uncertain significance (1 of 4 stars; one submission).

gnomAD v4.1: 1 of 1,614,224 alleles (0.000062%); highest among the groups gnomAD compares: Non-Finnish European, 0.000085%; no homozygotes.

Submission:

CeGaT Center for Human Genetics Tuebingen
Classification: Uncertain significance. Last evaluated: 2024-07-01. Review status: criteria provided, single submitter. Criteria: CeGaT Center For Human Genetics Tuebingen Variant Classification Criteria Version 2. Collection method: clinical testing. Allele origin: germline. Affected: yes. Observed: 1 variant allele.
Comment: CDC42BPB: PM2, BP4